The following is an entry in ClinVar:

ClinVar aggregate classification (germline): Benign. Review status: criteria provided, single submitter (1 of 4 stars). 2 submissions from 2 submitters: Benign (1). 1 of the submissions does not count toward it. Last evaluated 2022-01-14.

Conditions:
Infantile-onset X-linked spinal muscular atrophy. Also called: Spinal Muscular Atrophy, X-Linked Infantile; Spinal muscular atrophy, X-linked 2; SPINAL MUSCULAR ATROPHY, X-LINKED LETHAL INFANTILE; AMC, DISTAL, X-LINKED; ARTHROGRYPOSIS, X-LINKED, TYPE I. Identifiers: Orphanet 1145, MedGen C1844934, MONDO:0010532, OMIM 301830.
UBA1-related disorder. Also called: UBA1-related condition.

Allele frequency attached by ClinVar (database versions not stated): gnomAD exomes below 0.00001 and 0.00001; ExAC 0.00001; TOPMed 0.00001; gnomAD 0.00002.
gnomAD v4.1: 6 of 1,210,242 alleles (0.0005%); highest among the groups gnomAD compares: Non-Finnish European, 0.00067%; no homozygotes.

Submissions (2):

Labcorp Genetics (formerly Invitae), Labcorp
Classification: Benign for Infantile-onset X-linked spinal muscular atrophy. Last evaluated: 2022-01-14. Review status: criteria provided, single submitter. Criteria: Invitae Variant Classification Sherloc (09022015). Collection method: clinical testing. Allele origin: germline.

PreventionGenetics, part of Exact Sciences
Classification: Likely benign for UBA1-related condition. Last evaluated: 2023-11-10. Review status: no assertion criteria provided. Collection method: clinical testing. Allele origin: germline. Not counted in ClinVar's aggregate classification.
Comment: This variant is classified as likely benign based on ACMG/AMP sequence variant interpretation guidelines (Richards et al. 2015 PMID: 25741868, with internal and published modifications).

NM_003334.4(UBA1):c.1818T>C (p.Asn606=)

Gene: UBA1 (ubiquitin like modifier activating enzyme 1; plus strand). Cytogenetic location: Xp11.3.
Variant type: single nucleotide variant.
Coding change: c.1818T>C on transcript NM_003334.4 (MANE Select); coding-DNA position 1818, T replaced by C.
Protein change: p.Asn606=; no amino-acid change (asparagine 606 retained).
Molecular consequence: synonymous variant.
Genome position (GRCh38, 1-based): chrX:47,206,324, T>C. VCF-style: chrX-47206324-T-C. GRCh37 (hg19) VCF-style: chrX-47065723-T-C.
Other names: c.1818T>C (NM_003334.3); c.1818T>C, p.Asn606= (NM_153280.3).
Identifiers: ClinVar variation 1166384 (VCV001166384.11), dbSNP rs782565505, ClinGen allele CA10396008.